The following is an entry in ClinVar:

ClinVar aggregate classification (germline): Uncertain significance (1 of 4 stars; one submission).

Submission:

Women's Health and Genetics/Laboratory Corporation of America, LabCorp
Classification: Uncertain significance. Last evaluated: 2025-12-10. Review status: criteria provided, single submitter. Criteria: LabCorp Variant Classification Summary - May 2015. Collection method: clinical testing. Allele origin: germline.
Comment: Variant summary: CLCNKB c.1295A>T (p.Tyr432Phe) results in a conservative amino acid change in the encoded protein sequence. Algorithms developed to predict the effect of missense changes on protein structure and function all suggest that this variant is likely to be tolerated. Consensus agreement among computation tools predicts no significant impact on normal splicing. However, these predictions have yet to be confirmed by functional studies. The variant was absent in 251488 control chromosomes (gnomAD). The available data on variant occurrences in the general population are insufficient to allow any conclusion about variant significance. To our knowledge, no occurrence of c.1295A>T in individuals affected with CLCNKB-related conditions and no experimental evidence demonstrating its impact on protein function have been reported. A different missense affecting the same amino acid (c.1294T>C, p.Tyr432His) has been reported in an affected individual (PMID 9326936), suggesting a functional importance for the Tyr432 residue, on the other hand, in several species Phe is found at this position (i.e. codon 432) instead of Tyr, implying that this substitution likely doesn't affect protein function. No submitters have cited clinical-significance assessments for this variant to ClinVar. Based on the evidence outlined above, the variant was classified as uncertain significance.

NM_000085.5(CLCNKB):c.1295A>T (p.Tyr432Phe)

Genes: CLCNKB (chloride voltage-gated channel Kb; plus strand), LOC106501713 (CLCNKB recombination region; plus strand). Cytogenetic location: 1p36.13.
Variant type: single nucleotide variant.
Coding change: c.1295A>T on transcript NM_000085.5 (MANE Select); coding-DNA position 1295, A replaced by T.
Protein change: p.Tyr432Phe; replaces tyrosine 432 with phenylalanine.
Molecular consequence: missense variant.
Genome position (GRCh38, 1-based): chr1:16,051,545, A>T. VCF-style: chr1-16051545-A-T. GRCh37 (hg19) VCF-style: chr1-16378040-A-T.
Other names: c.788A>T, p.Tyr263Phe (NM_001165945.2); short protein forms Y263F, Y432F.
Identifiers: ClinVar variation 4688399 (VCV004688399.1).